The following is an entry in ClinVar:

ClinVar aggregate classification (germline): Pathogenic/Likely pathogenic. Review status: criteria provided, multiple submitters, no conflicts (2 of 4 stars). 4 submissions from 4 submitters: Pathogenic (3); Likely pathogenic (1). Last evaluated 2025-08-18.

Conditions:
Lynch syndrome 5 (LYNCH5). Also called: Colorectal cancer, hereditary nonpolyposis, type 5; Hereditary non-polyposis colorectal cancer, type 5. Identifiers: Orphanet 144, MedGen C1833477, MONDO:0013710, OMIM 614350. Disease mechanism: loss of function.
Hereditary nonpolyposis colorectal neoplasms. Identifiers: MedGen C0009405, MeSH D003123.
Hereditary cancer-predisposing syndrome. Also called: Hereditary Cancer Syndrome; Tumor predisposition; Hereditary neoplastic syndrome; Neoplastic Syndromes, Hereditary. Identifiers: Orphanet 140162, MedGen C0027672, MeSH D009386, MONDO:0015356.

Submissions (4):

Labcorp Genetics (formerly Invitae), Labcorp
Classification: Pathogenic for Hereditary nonpolyposis colorectal neoplasms. Last evaluated: 2025-08-18. Review status: criteria provided, single submitter. Criteria: Invitae Variant Classification Sherloc (09022015). Collection method: clinical testing. Allele origin: germline.
Comment: This sequence change creates a premature translational stop signal (p.Trp105Glyfs*44) in the MSH6 gene. It is expected to result in an absent or disrupted protein product. Loss-of-function variants in MSH6 are known to be pathogenic (PMID: 18269114, 24362816). This variant is not present in population databases (gnomAD no frequency). This variant has not been reported in the literature in individuals affected with MSH6-related conditions. Invitae Evidence Modeling of clinical and family history, age, sex, and reported ancestry of multiple individuals with this MSH6 variant has been performed. This variant is expected to be pathogenic with a positive predictive value of at least 99%. This is a validated machine learning model that incorporates the clinical features of 1,627,235 individuals referred to our laboratory for MSH6 testing. ClinVar contains an entry for this variant (Variation ID: 646513). For these reasons, this variant has been classified as Pathogenic.

Institute of Human Genetics, University of Leipzig Medical Center
Classification: Likely pathogenic for Lynch syndrome 5. Last evaluated: 2024-10-01. Review status: criteria provided, single submitter. Criteria: ACMG Guidelines, 2015. Collection method: clinical testing. Allele origin: unknown. Inheritance: Autosomal dominant inheritance. Affected: yes.
Comment: Criteria applied: PVS1,PM2_SUP

Ambry Genetics
Classification: Pathogenic for Hereditary cancer-predisposing syndrome. Last evaluated: 2024-04-25. Review status: criteria provided, single submitter. Criteria: Ambry Variant Classification Scheme 2023. Collection method: clinical testing. Allele origin: germline.
Comment: The c.313delT pathogenic mutation, located in coding exon 2 of the MSH6 gene, results from a deletion of one nucleotide at nucleotide position 313, causing a translational frameshift with a predicted alternate stop codon (p.W105Gfs*44). This variant has been observed in at least one individual with a personal and/or family history that is consistent with Lynch syndrome (Ambry internal data). This variant is considered to be rare based on population cohorts in the Genome Aggregation Database (gnomAD). This alteration is expected to result in loss of function by premature protein truncation or nonsense-mediated mRNA decay. As such, this alteration is interpreted as a disease-causing mutation.

Myriad Genetics, Inc.
Classification: Pathogenic for Lynch syndrome 5. Last evaluated: 2023-08-10. Review status: criteria provided, single submitter. Criteria: Myriad Autosomal Dominant, Autosomal Recessive and X-Linked Classification Criteria (2023). Collection method: clinical testing. Allele origin: unknown.
Comment: This variant is considered pathogenic. This variant creates a frameshift predicted to result in premature protein truncation.

Literature cited by the submitters: PubMed 18269114 (cited by Labcorp Genetics (formerly Invitae), Labcorp); PubMed 24362816 (cited by Labcorp Genetics (formerly Invitae), Labcorp).

NM_000179.3(MSH6):c.313del (p.Trp105fs)

Gene: MSH6 (mutS homolog 6; plus strand). Cytogenetic location: 2p16.3.
Variant type: Deletion.
Coding change: c.313del on transcript NM_000179.3 (MANE Select); coding-DNA position 313, one base deleted (T; older notation c.313delT).
Protein change: p.Trp105fs; shifts the reading frame from tryptophan 105.
Molecular consequence: frameshift variant. On other transcripts: 5 prime UTR variant (2), intron variant (1).
Genome position (GRCh38, 1-based): chr2:47,790,979, T deleted. VCF-style (leftmost placement, unchanged base first): chr2-47790978-CT-C. GRCh37 (hg19) VCF-style: chr2-48018117-CT-C.
Other names: c.313delT (NM_000179.2); c.-424del (NM_001281493.2); c.-590del (NM_001281494.2); c.237+7509del (NM_001281492.2); short protein forms W105fs.
Identifiers: ClinVar variation 646513 (VCV000646513.14), dbSNP rs1572708636, ClinGen allele CA915943792.